The following is an entry in ClinVar:

NM_001243279.3(ACSF3):c.122A>T (p.Asp41Val)

Gene: ACSF3 (acyl-CoA synthetase family member 3; plus strand). Cytogenetic location: 16q24.3.
Variant type: single nucleotide variant.
Coding change: c.122A>T on transcript NM_001243279.3 (MANE Select); coding-DNA position 122, A replaced by T.
Protein change: p.Asp41Val; replaces aspartic acid 41 with valine.
Molecular consequence: missense variant. On other transcripts: non-coding transcript variant (3), intron variant (1).
Genome position (GRCh38, 1-based): chr16:89,100,803, A>T. VCF-style: chr16-89100803-A-T. GRCh37 (hg19) VCF-style: chr16-89167211-A-T.
Other names: c.122A>T, p.Asp41Val (NM_001127214.4, NM_174917.5); c.-129-1801A>T (NM_001284316.2); c.122A>T (NM_174917.3); short protein forms D41V.
Identifiers: ClinVar variation 565935 (VCV000565935.8), dbSNP rs545886514, ClinGen allele CA8237549.

ClinVar aggregate classification (germline): Uncertain significance. Review status: criteria provided, multiple submitters, no conflicts (2 of 4 stars). 3 submissions from 3 submitters: Uncertain significance (2). 1 of the submissions does not count toward it. Last evaluated 2025-05-25.

Conditions:
Combined malonic and methylmalonic acidemia. Identifiers: Orphanet 289504, MedGen C3280314, MONDO:0013661, OMIM 614265.
Inborn genetic diseases. Identifiers: MedGen C0950123, MeSH D030342.

Allele frequency attached by ClinVar (database versions not stated): gnomAD 0.00009; 1000 Genomes Project 30x 0.00016; TOPMed 0.00005; 1000 Genomes Project 0.00020; gnomAD exomes 0.00001.
gnomAD v4.1: 30 of 1,612,664 alleles (0.0019%); highest among the groups gnomAD compares: African/African-American, 0.039%; no homozygotes.

Submissions (3):

Ambry Genetics
Classification: Uncertain significance for Inborn genetic diseases. Last evaluated: 2025-05-25. Review status: criteria provided, single submitter. Criteria: Ambry Variant Classification Scheme 2023. Collection method: clinical testing. Allele origin: germline.

Labcorp Genetics (formerly Invitae), Labcorp
Classification: Uncertain significance for Combined malonic and methylmalonic acidemia. Last evaluated: 2022-07-06. Review status: criteria provided, single submitter. Criteria: Invitae Variant Classification Sherloc (09022015). Collection method: clinical testing. Allele origin: germline.
Comment: This sequence change replaces aspartic acid, which is acidic and polar, with valine, which is neutral and non-polar, at codon 41 of the ACSF3 protein (p.Asp41Val). This variant is present in population databases (rs545886514, gnomAD 0.03%). This variant has not been reported in the literature in individuals affected with ACSF3-related conditions. ClinVar contains an entry for this variant (Variation ID: 565935). Algorithms developed to predict the effect of missense changes on protein structure and function (SIFT, PolyPhen-2, Align-GVGD) all suggest that this variant is likely to be tolerated. Algorithms developed to predict the effect of sequence changes on RNA splicing suggest that this variant may create or strengthen a splice site. In summary, the available evidence is currently insufficient to determine the role of this variant in disease. Therefore, it has been classified as a Variant of Uncertain Significance.

Natera, Inc.
Classification: Uncertain significance for Combined malonic and methylmalonic aciduria. Last evaluated: 2020-08-08. Review status: no assertion criteria provided. Collection method: clinical testing. Allele origin: germline. Not counted in ClinVar's aggregate classification.